The following is an entry in ClinVar:

ClinVar aggregate classification (germline): Pathogenic. Review status: criteria provided, multiple submitters, no conflicts (2 of 4 stars). 5 submissions from 5 submitters: Pathogenic (4). 1 of the submissions does not count toward it. Last evaluated 2022-10-15.

Conditions:
Marfan syndrome (MFS). Also called: FBN1-Related Marfan Syndrome; Marfan syndrome, classic; MARFAN SYNDROME, TYPE I; Marfan syndrome type 1; Marfan's syndrome. Identifiers: Orphanet 284963, Orphanet 558, MedGen C0024796, MONDO:0007947, OMIM 154700.
Familial thoracic aortic aneurysm and aortic dissection (TAAD). Also called: Thoracic aortic aneurysms and dissections. Identifiers: Orphanet 91387, MedGen C4707243, MONDO:0019625.

Submissions (5):

Labcorp Genetics (formerly Invitae), Labcorp
Classification: Pathogenic for Marfan syndrome; Familial thoracic aortic aneurysm and aortic dissection. Last evaluated: 2022-10-15. Review status: criteria provided, single submitter. Criteria: Invitae Variant Classification Sherloc (09022015). Collection method: clinical testing. Allele origin: germline.
Comment: ClinVar contains an entry for this variant (Variation ID: 42393). For these reasons, this variant has been classified as Pathogenic. This premature translational stop signal has been observed in individual(s) with Marfan syndrome (PMID: 12068374, 22772377, 24793577). This sequence change creates a premature translational stop signal (p.Gln1955*) in the FBN1 gene. It is expected to result in an absent or disrupted protein product. Loss-of-function variants in FBN1 are known to be pathogenic (PMID: 17657824, 19293843). This variant is not present in population databases (gnomAD no frequency).

Centre of Medical Genetics, University of Antwerp
Classification: Pathogenic for Marfan syndrome. Last evaluated: 2021-03-01. Review status: criteria provided, single submitter. Criteria: Submitter's publication. Collection method: research. Allele origin: unknown. Affected: yes.
Comment: PM2, PVS1, PP4

GeneDx
Classification: Pathogenic. Last evaluated: 2013-07-02. Review status: criteria provided, single submitter. Criteria: GeneDx Variant Classification (06012015). Collection method: clinical testing. Allele origin: germline. Affected: yes.
Comment: p.Gln1955Stop (CAG>TAG): c.5863 C>T in exon 48 of the FBN1 gene (NM_000138.4)The Gln1955Stop mutation in the FBN1 gene has been reported in two unrelated individuals with Marfan syndrome or fibrillinopathy (Schrijver I et al., 2002; Baetens M et al., 2011). Gln1955Stop is predicted to cause loss of normal protein function either by protein truncation or nonsense-mediated mRNA decay. Other nonsense mutations in the FBN1 gene have been reported in association with Marfan syndrome. In summary, Gln1955Stop in the FBN1 gene is interpreted as a disease-causing mutation. The variant is found in TAAD panel(s).

Laboratory for Molecular Medicine, Mass General Brigham Personalized Medicine
Classification: Pathogenic for Marfan syndrome. Last evaluated: 2008-01-10. Review status: criteria provided, single submitter. Criteria: LMM Criteria. Collection method: clinical testing. Allele origin: germline. Observed: 2 variant alleles.

Center for Medical Genetics Ghent, University of Ghent
Classification: Pathogenic for Marfan syndrome. Last evaluated: 2017-11-07. Review status: no assertion criteria provided. Collection method: clinical testing. Allele origin: germline. Affected: yes. Not counted in ClinVar's aggregate classification.

Literature cited by the submitters: PubMed 12068374 (cited by Labcorp Genetics (formerly Invitae), Labcorp and Laboratory for Molecular Medicine, Mass General Brigham Personalized Medicine); PubMed 22772377 (cited by Labcorp Genetics (formerly Invitae), Labcorp); PubMed 24793577 (cited by Labcorp Genetics (formerly Invitae), Labcorp); PubMed 17657824 (cited by Labcorp Genetics (formerly Invitae), Labcorp); PubMed 19293843 (cited by Labcorp Genetics (formerly Invitae), Labcorp).

NM_000138.5(FBN1):c.5863C>T (p.Gln1955Ter)

Gene: FBN1 (fibrillin 1; minus strand). Cytogenetic location: 15q21.1.
Variant type: single nucleotide variant.
Coding change: c.5863C>T on transcript NM_000138.5 (MANE Select); coding-DNA position 5863, C replaced by T.
Protein change: p.Gln1955Ter; replaces glutamine 1955 with a stop codon.
Molecular consequence: nonsense.
Genome position (GRCh38, 1-based): chr15:48,445,430, G>A on the plus strand (C>T on the coding strand, the complement: FBN1 is on the minus strand). VCF-style: chr15-48445430-G-A. GRCh37 (hg19) VCF-style: chr15-48737627-G-A.
Other names: p.Q1955X:CAG>TAG; short protein forms Q1955*.
Identifiers: ClinVar variation 42393 (VCV000042393.28), dbSNP rs363807, ClinGen allele CA016131.